The following is an entry in ClinVar:

ClinVar aggregate classification (germline): Conflicting classifications of pathogenicity. Review status: criteria provided, conflicting classifications (1 of 4 stars). 2 submissions from 2 submitters: Likely pathogenic (1); Uncertain significance (1). Last evaluated 2022-09-23.

Conditions:
Marfan syndrome (MFS). Also called: Marfan syndrome type 1; Marfan's syndrome; FBN1-Related Marfan Syndrome; MARFAN SYNDROME, TYPE I; Marfan syndrome, classic. Identifiers: Orphanet 284963, Orphanet 558, MedGen C0024796, MONDO:0007947, OMIM 154700.
Familial thoracic aortic aneurysm and aortic dissection (TAAD). Also called: Thoracic aortic aneurysms and dissections. Identifiers: Orphanet 91387, MedGen C4707243, MONDO:0019625.

Submissions (2):

Labcorp Genetics (formerly Invitae), Labcorp
Classification: Likely pathogenic for Marfan syndrome; Familial thoracic aortic aneurysm and aortic dissection. Last evaluated: 2022-09-23. Review status: criteria provided, single submitter. Criteria: Invitae Variant Classification Sherloc (09022015). Collection method: clinical testing. Allele origin: germline.
Comment: Variants that disrupt the consensus splice site are a relatively common cause of aberrant splicing (PMID: 17576681, 9536098). Algorithms developed to predict the effect of sequence changes on RNA splicing suggest that this variant may disrupt the consensus splice site. ClinVar contains an entry for this variant (Variation ID: 1325437). In summary, the currently available evidence indicates that the variant is pathogenic, but additional data are needed to prove that conclusively. Therefore, this variant has been classified as Likely Pathogenic. This sequence change falls in intron 52 of the FBN1 gene. It does not directly change the encoded amino acid sequence of the FBN1 protein. It affects a nucleotide within the consensus splice site. This variant is not present in population databases (gnomAD no frequency). This variant has been observed in individual(s) with FBN1-related conditions (Invitae). In at least one individual the variant was observed to be de novo.

Centre of Medical Genetics, University of Antwerp
Classification: Uncertain significance for Marfan syndrome. Last evaluated: 2021-03-01. Review status: criteria provided, single submitter. Criteria: Submitter's publication. Collection method: research. Allele origin: unknown. Affected: yes.
Comment: PM2, PM8, PP4

Literature cited by the submitters: PubMed 17576681 (cited by Labcorp Genetics (formerly Invitae), Labcorp); PubMed 9536098 (cited by Labcorp Genetics (formerly Invitae), Labcorp).

NM_000138.5(FBN1):c.6379+5G>A

Gene: FBN1 (fibrillin 1; minus strand). Cytogenetic location: 15q21.1.
Variant type: single nucleotide variant.
Coding change: c.6379+5G>A on transcript NM_000138.5 (MANE Select); 5 bases into the intron after coding-DNA position 6379, G replaced by A.
Molecular consequence: intron variant.
Genome position (GRCh38, 1-based): chr15:48,437,317, C>T on the plus strand (G>A on the coding strand, the complement: FBN1 is on the minus strand). VCF-style: chr15-48437317-C-T. GRCh37 (hg19) VCF-style: chr15-48729514-C-T.
Other names: c.6379+5G>A (LRG_778t1, NM_001406716.1).
Identifiers: ClinVar variation 1325437 (VCV001325437.7), dbSNP rs1085307875, ClinGen allele CA2573150931.